The following is an entry in ClinVar:

NM_005186.4(CAPN1):c.1766C>T (p.Ser589Leu)

Gene: CAPN1 (calpain 1; plus strand). Cytogenetic location: 11q13.1.
Variant type: single nucleotide variant.
Coding change: c.1766C>T on transcript NM_005186.4 (MANE Select); coding-DNA position 1766, C replaced by T.
Protein change: p.Ser589Leu; replaces serine 589 with leucine.
Molecular consequence: missense variant. On other transcripts: non-coding transcript variant (1).
Genome position (GRCh38, 1-based): chr11:65,209,359, C>T. VCF-style: chr11-65209359-C-T. GRCh37 (hg19) VCF-style: chr11-64976830-C-T.
Other names: c.1766C>T, p.Ser589Leu (NM_001198868.2, NM_001198869.2); c.1604C>T, p.Ser535Leu (NM_001198870.1); c.1766C>T (NM_001198868.1); short protein forms S535L, S589L.
Identifiers: ClinVar variation 2170370 (VCV002170370.6), dbSNP rs761412242, ClinGen allele CA6093543.
Genomic context (GRCh38, chr11:65,209,359, plus strand): 5'-TGTTGGAATTGGTTTTTCTTGCAGACAAAGACCTGCGGACCAAGGGCTTCAGCCTAGAGT[C>T]GTGCCGCAGCATGGTGAACCTCATGGATGTATCCTTCCGTTTGCTTTTGTCTCCTGAGTG-3'
Protein context (NP_005177.2, residues 579-599): DLRTKGFSLE[Ser589Leu]CRSMVNLMDR

ClinVar aggregate classification (germline): Uncertain significance. Review status: criteria provided, multiple submitters, no conflicts (2 of 4 stars). 2 submissions from 2 submitters: Uncertain significance (2). Last evaluated 2023-02-07.

Conditions:
Inborn genetic diseases. Identifiers: MedGen C0950123, MeSH D030342.

Allele frequency attached by ClinVar (database versions not stated): ExAC 0.00002; gnomAD 0.00003; TOPMed 0.00003.
gnomAD v4.1: 48 of 1,613,614 alleles (0.003%); highest among the groups gnomAD compares: East Asian, 0.018%; no homozygotes.

Submissions (2):

Ambry Genetics
Classification: Uncertain significance for Inborn genetic diseases. Last evaluated: 2023-02-07. Review status: criteria provided, single submitter. Criteria: Ambry Variant Classification Scheme 2023. Collection method: clinical testing. Allele origin: germline.

Labcorp Genetics (formerly Invitae), Labcorp
Classification: Uncertain significance. Last evaluated: 2022-01-28. Review status: criteria provided, single submitter. Criteria: Invitae Variant Classification Sherloc (09022015). Collection method: clinical testing. Allele origin: germline.
Comment: Algorithms developed to predict the effect of missense changes on protein structure and function (SIFT, PolyPhen-2, Align-GVGD) all suggest that this variant is likely to be disruptive. In summary, the available evidence is currently insufficient to determine the role of this variant in disease. Therefore, it has been classified as a Variant of Uncertain Significance. This variant has not been reported in the literature in individuals affected with CAPN1-related conditions. This variant is present in population databases (rs761412242, gnomAD 0.02%). This sequence change replaces serine, which is neutral and polar, with leucine, which is neutral and non-polar, at codon 589 of the CAPN1 protein (p.Ser589Leu).